The following is an entry in ClinVar:

NM_002519.3(NPAT):c.3361A>G (p.Lys1121Glu)

Gene: NPAT (nuclear protein, coactivator of histone transcription; minus strand). Cytogenetic location: 11q22.3.
Variant type: single nucleotide variant.
Coding change: c.3361A>G on transcript NM_002519.3 (MANE Select); coding-DNA position 3361, A replaced by G.
Protein change: p.Lys1121Glu; replaces lysine 1121 with glutamic acid.
Molecular consequence: missense variant.
Genome position (GRCh38, 1-based): chr11:108,161,725, T>C on the plus strand (A>G on the coding strand, the complement: NPAT is on the minus strand). VCF-style: chr11-108161725-T-C. GRCh37 (hg19) VCF-style: chr11-108032452-T-C.
Other names: c.3382A>G, p.Lys1128Glu (NM_001321307.1); short protein forms K1121E, K1128E.
Identifiers: ClinVar variation 3300618 (VCV003300618.1).
Genomic context (GRCh38, chr11:108,161,725, plus strand): 5'-TGGTGGTATGCCGGCTAATGGCACTTTCCGATTTAGATAAAATCTTAGGCAGAGGAGGCT[T>C]CTCTTTCTCTCTTTTGATAGCATTATTAGAAGGGGGTTTTAAGGTGGAGGACACATTGGG-3'
Protein context (NP_002510.2, residues 1111-1131): SNNAIKREKE[Lys1121Glu]PPLPKILSKS

ClinVar aggregate classification (germline): Uncertain significance (1 of 4 stars; one submission).

gnomAD v4.1: 1 of 1,613,748 alleles (0.000062%); highest among the groups gnomAD compares: African/African-American, 0.0013%; no homozygotes.

Submission:

Ambry Genetics
Classification: Uncertain significance. Last evaluated: 2024-05-23. Review status: criteria provided, single submitter. Criteria: Ambry Variant Classification Scheme 2023. Collection method: clinical testing. Allele origin: germline.
Comment: The p.K1121E variant (also known as c.3361A>G), located in coding exon 17 of the NPAT gene, results from an A to G substitution at nucleotide position 3361. The lysine at codon 1121 is replaced by glutamic acid, an amino acid with similar properties. This amino acid position is conserved. In addition, this alteration is predicted to be tolerated by in silico analysis. Based on the available evidence, the clinical significance of this variant remains unclear.